The following is an entry in ClinVar:

ClinVar aggregate classification (germline): Pathogenic (1 of 4 stars; one submission).

Submission:

Labcorp Genetics (formerly Invitae), Labcorp
Classification: Pathogenic. Last evaluated: 2019-11-21. Review status: criteria provided, single submitter. Criteria: Invitae Variant Classification Sherloc (09022015). Collection method: clinical testing. Allele origin: germline.
Comment: For these reasons, this variant has been classified as Pathogenic. Loss-of-function variants in MYO7A are known to be pathogenic (PMID: 8900236, 25404053). This variant has not been reported in the literature in individuals with MYO7A-related conditions. This variant is not present in population databases (ExAC no frequency). This sequence change creates a premature translational stop signal (p.Phe1048Serfs*14) in the MYO7A gene. It is expected to result in an absent or disrupted protein product.

Literature cited by the submitters: PubMed 8900236; PubMed 25404053.

NM_000260.4(MYO7A):c.3143del (p.Phe1048fs)

Gene: MYO7A (myosin VIIA; plus strand). Cytogenetic location: 11q13.5.
Variant type: Deletion.
Coding change: c.3143del on transcript NM_000260.4 (MANE Select); coding-DNA position 3143, one base deleted (T; older notation c.3143delT).
Protein change: p.Phe1048fs; shifts the reading frame from phenylalanine 1048.
Molecular consequence: frameshift variant.
Genome position (GRCh38, 1-based): chr11:77,182,458, T deleted; the last of 2 consecutive T bases (chr11:77,182,457-77,182,458); deleting either gives the same sequence. VCF-style (leftmost placement, unchanged base first): chr11-77182456-CT-C. GRCh37 (hg19) VCF-style: chr11-76893501-CT-C.
Other names: c.3143del, p.Phe1048fs (NM_001127180.2); c.3110del, p.Phe1037fs (NM_001369365.1); short protein forms F1048fs, F1037fs.
Identifiers: ClinVar variation 845753 (VCV000845753.7), dbSNP rs1955320652, ClinGen allele CA916083260.